The following is an entry in ClinVar:

NM_001291303.3(FAT4):c.565A>T (p.Ile189Phe)

Gene: FAT4 (FAT atypical cadherin 4; plus strand). Cytogenetic location: 4q28.1.
Variant type: single nucleotide variant.
Coding change: c.565A>T on transcript NM_001291303.3 (MANE Select); coding-DNA position 565, A replaced by T.
Protein change: p.Ile189Phe; replaces isoleucine 189 with phenylalanine.
Molecular consequence: missense variant.
Genome position (GRCh38, 1-based): chr4:125,316,976, A>T. VCF-style: chr4-125316976-A-T. GRCh37 (hg19) VCF-style: chr4-126238131-A-T.
Other names: c.565A>T, p.Ile189Phe (NM_001291285.3, NM_024582.6); short protein forms I189F.
Identifiers: ClinVar variation 2017406 (VCV002017406.4), dbSNP rs1278574694, ClinGen allele CA358116064.
Genomic context (GRCh38, chr4:125,316,976, plus strand): 5'-GTGGACCACCGCTCCTACCGCATCATCCGCGGCAATGAGGCGGGGCGCTTCCGTCTGGAC[A>T]TCACCCTGAACCCGAGCGGCGAGGGAGCGTTCCTGCATCTGGTGTCCAAGGGCGGACTGG-3'
Protein context (NP_001278232.1, residues 179-199): GNEAGRFRLD[Ile189Phe]TLNPSGEGAF

ClinVar aggregate classification (germline): Uncertain significance (1 of 4 stars; one submission).

Submission:

Labcorp Genetics (formerly Invitae), Labcorp
Classification: Uncertain significance. Last evaluated: 2021-11-29. Review status: criteria provided, single submitter. Criteria: Invitae Variant Classification Sherloc (09022015). Collection method: clinical testing. Allele origin: germline.
Comment: This sequence change replaces isoleucine, which is neutral and non-polar, with phenylalanine, which is neutral and non-polar, at codon 189 of the FAT4 protein (p.Ile189Phe). This variant is not present in population databases (gnomAD no frequency). This variant has not been reported in the literature in individuals affected with FAT4-related conditions. Advanced modeling of protein sequence and biophysical properties (such as structural, functional, and spatial information, amino acid conservation, physicochemical variation, residue mobility, and thermodynamic stability) performed at Invitae indicates that this missense variant is not expected to disrupt FAT4 protein function. In summary, the available evidence is currently insufficient to determine the role of this variant in disease. Therefore, it has been classified as a Variant of Uncertain Significance.